The following is an entry in ClinVar:

ClinVar aggregate classification (germline): Likely benign (1 of 4 stars; one submission).

Submission:

GeneDx
Classification: Likely benign. Last evaluated: 2018-04-20. Review status: criteria provided, single submitter. Criteria: GeneDx Variant Classification (06012015). Collection method: clinical testing. Allele origin: germline. Affected: yes.
Comment: This variant is considered likely benign or benign based on one or more of the following criteria: it is a conservative change, it occurs at a poorly conserved position in the protein, it is predicted to be benign by multiple in silico algorithms, and/or has population frequency not consistent with disease.

NM_001077446.4(TSEN34):c.488-16C>A

Gene: TSEN34 (tRNA splicing endonuclease subunit 34; plus strand). Cytogenetic location: 19q13.42.
Variant type: single nucleotide variant.
Coding change: c.488-16C>A on transcript NM_001077446.4 (MANE Select); 16 bases into the intron before coding-DNA position 488, C replaced by A.
Molecular consequence: intron variant.
Genome position (GRCh38, 1-based): chr19:54,192,100, C>A. VCF-style: chr19-54192100-C-A. GRCh37 (hg19) VCF-style: chr19-54695951-C-A.
Other names: c.488-16C>A (NM_024075.5, NM_001386740.1, NM_001282333.2 and 1 more transcripts).
Identifiers: ClinVar variation 681842 (VCV000681842.1), dbSNP rs1311061954, ClinGen allele CA915953060.